The following is an entry in ClinVar:

NM_001267550.2(TTN):c.45328G>A (p.Asp15110Asn)

Genes: TTN (titin; minus strand), LOC126806427 (BRD4-independent group 4 enhancer GRCh37_chr2:179485777-179486976; plus strand). Cytogenetic location: 2q31.2.
Variant type: single nucleotide variant.
Coding change: c.45328G>A on transcript NM_001267550.2 (MANE Select); coding-DNA position 45328, G replaced by A.
Protein change: p.Asp15110Asn; replaces aspartic acid 15110 with asparagine.
Molecular consequence: missense variant.
Genome position (GRCh38, 1-based): chr2:178,621,496, C>T on the plus strand (G>A on the coding strand, the complement: TTN is on the minus strand). VCF-style: chr2-178621496-C-T. GRCh37 (hg19) VCF-style: chr2-179486223-C-T.
Other names: p.D12542N:GAT>AAT; p.Asp13469Asn; c.40405G>A, p.Asp13469Asn (NM_001256850.1); c.18133G>A, p.Asp6045Asn (NM_003319.4); c.37624G>A, p.Asp12542Asn (NM_133378.4); c.18508G>A, p.Asp6170Asn (NM_133432.3); c.18709G>A, p.Asp6237Asn (NM_133437.4); short protein forms D15110N, D12542N, D13469N, D6045N, D6170N, D6237N.
Identifiers: ClinVar variation 46987 (VCV000046987.77), dbSNP rs17354992, ClinGen allele CA139699.

ClinVar aggregate classification (germline): Conflicting classifications of pathogenicity. Review status: criteria provided, conflicting classifications (1 of 4 stars). 25 submissions from 21 submitters: Uncertain significance (2); Benign (13); Likely benign (4). 6 of the submissions do not count toward it. Last evaluated 2026-09-01.

Conditions:
Dilated cardiomyopathy 1G (CMD1G). Identifiers: Orphanet 154, MedGen C1858763, MONDO:0011400, OMIM 604145.
Autosomal recessive limb-girdle muscular dystrophy type 2J (LGMDR10). Also called: MUSCULAR DYSTROPHY, LIMB-GIRDLE, AUTOSOMAL RECESSIVE 10; Limb-girdle muscular dystrophy, type 2J. Identifiers: Orphanet 140922, MedGen C1837342, MONDO:0012127, OMIM 608807.
Cardiovascular phenotype. Identifiers: MedGen CN230736.
Cardiomyopathy (CMYO). Also called: Cardiomyopathies. Identifiers: Orphanet 167848, MedGen C0878544, MONDO:0004994, HP:0001638. Inheritance: Various modes of inheritance.
Early-onset myopathy with fatal cardiomyopathy (CMYO5). Also called: CONGENITAL MYOPATHY 5 WITH CARDIOMYOPATHY; Salih Myopathy. Identifiers: Orphanet 289377, MedGen C2673677, MONDO:0012714, OMIM 611705. Disease mechanism: loss of function.
Myopathy, myofibrillar, 9, with early respiratory failure (MFM9). Also called: Myopathy, distal, with early respiratory failure, autosomal dominant; Hereditary myopathy with early respiratory failure; MYOPATHY, PROXIMAL, WITH EARLY RESPIRATORY MUSCLE INVOLVEMENT; EDSTROM MYOPATHY. Identifiers: Orphanet 178464, Orphanet 34521, MedGen C1863599, MONDO:0011362, OMIM 603689.
Tibial muscular dystrophy (TMD). Also called: Udd Distal Myopathy – Tibial Muscular Dystrophy; Tibial muscular dystrophy, tardive; UDD MYOPATHY. Identifiers: Orphanet 609, MedGen C1838244, MONDO:0010870, OMIM 600334.
Hypertrophic cardiomyopathy. Also called: HYPERTROPHIC MYOCARDIOPATHY. Identifiers: Orphanet 217569, MedGen C0007194, MeSH D002312, MONDO:0005045, HP:0001639.

Allele frequency attached by ClinVar (database versions not stated): 1000 Genomes Project 0.00300; gnomAD 0.00698 and 0.00683; gnomAD exomes 0.00789 and 0.00767; TOPMed 0.00437; ESP Exome Variant Server 0.00667; ExAC 0.00758; 1000 Genomes Project 30x 0.00328.
gnomAD v4.1: 12,137 of 1,612,268 alleles (0.75%); highest among the groups gnomAD compares: South Asian, 0.83%; 83 homozygotes.

Submissions 1 to 16 of 25:

CeGaT Center for Human Genetics Tuebingen
Classification: Likely benign. Last evaluated: 2026-09-01. Review status: criteria provided, single submitter. Criteria: CeGaT Center For Human Genetics Tuebingen Variant Classification Criteria Version 2. Collection method: clinical testing. Allele origin: germline. Affected: yes. Observed: 73 variant alleles.
Comment: TTN: BP4, BS2

Molecular Diagnostic Laboratory for Inherited Cardiovascular Disease, Montreal Heart Institute
Classification: Likely benign. Last evaluated: 2026-03-27. Review status: criteria provided, single submitter. Criteria: ACMG Guidelines, 2015. Collection method: clinical testing. Allele origin: germline. Affected: no.

Labcorp Genetics (formerly Invitae), Labcorp
Classification: Benign for Dilated cardiomyopathy 1G; Autosomal recessive limb-girdle muscular dystrophy type 2J. Last evaluated: 2026-02-03. Review status: criteria provided, single submitter. Criteria: Invitae Variant Classification Sherloc (09022015). Collection method: clinical testing. Allele origin: germline.

ARUP Laboratories, Molecular Genetics and Genomics, ARUP Laboratories
Classification: Benign. Last evaluated: 2025-05-19. Review status: criteria provided, single submitter. Criteria: ARUP Molecular Germline Variant Investigation Process 2024. Collection method: clinical testing. Allele origin: germline.

Mayo Clinic Laboratories, Mayo Clinic
Classification: Benign. Last evaluated: 2025-04-30. Review status: criteria provided, single submitter. Criteria: ACMG Guidelines, 2015. Collection method: clinical testing. Allele origin: germline. Observed: 26 variant alleles.

Blueprint Genetics
Classification: Likely benign. Last evaluated: 2024-11-25. Review status: criteria provided, single submitter. Criteria: ACMG Guidelines, 2015. Collection method: clinical testing. Allele origin: germline.

Women's Health and Genetics/Laboratory Corporation of America, LabCorp
Classification: Benign. Last evaluated: 2020-08-17. Review status: criteria provided, single submitter. Criteria: LabCorp Variant Classification Summary - May 2015. Collection method: clinical testing. Allele origin: germline.
Comment: Variant summary: TTN c.37624G>A (p.Asp12542Asn) results in a conservative amino acid change located in the I-band of the encoded protein sequence. Five of five in-silico tools predict a benign effect of the variant on protein function. The variant allele was found at a frequency of 0.0079 in 247648 control chromosomes, predominantly at a frequency of 0.0079 within the South Asian subpopulation in the gnomAD database, including 2 homozygotes. The observed variant frequency within South Asian control individuals in the gnomAD database is approximately 20 fold of the estimated maximal expected allele frequency for a pathogenic variant in TTN causing Dilated Cardiomyopathy phenotype (0.00039), strongly suggesting that the variant is a benign polymorphism found primarily in populations of South Asian origin. c.37624G>A has been reported in the literature (e.g. Pugh_2014). These reports however, do not provide unequivocal conclusions about association of the variant with Dilated Cardiomyopathy. To our knowledge, no experimental evidence demonstrating an impact on protein function has been reported. Ten ClinVar submitters (evaluation after 2014) cite the variant as benign/likely benign (n=9) or uncertain significance (n=1). Based on the evidence outlined above, the variant was classified as benign.

Center for Advanced Laboratory Medicine, UC San Diego Health, University of California San Diego
Classification: Benign for Hypertrophic cardiomyopathy. Last evaluated: 2019-01-31. Review status: criteria provided, single submitter. Criteria: ACMG Guidelines, 2015. Collection method: clinical testing. Allele origin: germline. Affected: yes. Observed: 2 variant alleles.

Illumina Laboratory Services, Illumina
Classification: Uncertain significance for Autosomal recessive limb-girdle muscular dystrophy type 2J. Last evaluated: 2018-01-12. Review status: criteria provided, single submitter. Criteria: ICSL Variant Classification Criteria 13 December 2019. Collection method: clinical testing. Allele origin: germline.

Illumina Laboratory Services, Illumina
Classification: Benign for Tibial muscular dystrophy. Last evaluated: 2018-01-12. Review status: criteria provided, single submitter. Criteria: ICSL Variant Classification Criteria 13 December 2019. Collection method: clinical testing. Allele origin: germline.
Comment: This variant was observed in the ICSL laboratory as part of a predisposition screen in an ostensibly healthy population. It had not been previously curated by ICSL or reported in the Human Gene Mutation Database (HGMD: prior to June 1st, 2018), and was therefore a candidate for classification through an automated scoring system. Utilizing variant allele frequency, disease prevalence and penetrance estimates, and inheritance mode, an automated score was calculated to assess if this variant is too frequent to cause the disease. Based on the score and internal cut-off values, a variant classified as benign is not then subjected to further curation. The score for this variant resulted in a classification of benign for this disease.

Illumina Laboratory Services, Illumina
Classification: Benign for Myopathy, myofibrillar, 9, with early respiratory failure. Last evaluated: 2018-01-12. Review status: criteria provided, single submitter. Criteria: ICSL Variant Classification Criteria 13 December 2019. Collection method: clinical testing. Allele origin: germline.
Comment: the same text as in the submission from Illumina Laboratory Services, Illumina above.

Illumina Laboratory Services, Illumina
Classification: Likely benign for Dilated cardiomyopathy 1G. Last evaluated: 2018-01-12. Review status: criteria provided, single submitter. Criteria: ICSL Variant Classification Criteria 13 December 2019. Collection method: clinical testing. Allele origin: germline.
Comment: This variant was observed in the ICSL laboratory as part of a predisposition screen in an ostensibly healthy population. It had not been previously curated by ICSL or reported in the Human Gene Mutation Database (HGMD: prior to June 1st, 2018), and was therefore a candidate for classification through an automated scoring system. Utilizing variant allele frequency, disease prevalence and penetrance estimates, and inheritance mode, an automated score was calculated to assess if this variant is too frequent to cause the disease. Based on the score and internal cut-off values, a variant classified as likely benign is not then subjected to further curation. The score for this variant resulted in a classification of likely benign for this disease.

Illumina Laboratory Services, Illumina
Classification: Uncertain significance for Early-onset myopathy with fatal cardiomyopathy. Last evaluated: 2018-01-12. Review status: criteria provided, single submitter. Criteria: ICSL Variant Classification Criteria 13 December 2019. Collection method: clinical testing. Allele origin: germline.

CHEO Genetics Diagnostic Laboratory, Children's Hospital of Eastern Ontario
Classification: Benign for Cardiomyopathy. Last evaluated: 2016-03-04. Review status: criteria provided, single submitter. Criteria: ACMG Guidelines, 2015. Collection method: clinical testing. Allele origin: germline. Study: Canadian Open Genetics Repository.

Eurofins Ntd Llc (ga)
Classification: Benign. Last evaluated: 2015-07-21. Review status: criteria provided, single submitter. Criteria: EGL Classification Definitions 2015. Collection method: clinical testing. Allele origin: germline. Observed: 2 variant alleles, 2 heterozygotes.

GeneDx
Classification: Benign. Last evaluated: 2015-04-13. Review status: criteria provided, single submitter. Criteria: GeneDx Variant Classification (06012015). Collection method: clinical testing. Allele origin: germline. Affected: yes.
Comment: This variant is considered likely benign or benign based on one or more of the following criteria: it is a conservative change, it occurs at a poorly conserved position in the protein, it is predicted to be benign by multiple in silico algorithms, and/or has population frequency not consistent with disease.